The following is an entry in ClinVar:

ClinVar aggregate classification (germline): Uncertain significance (1 of 4 stars; one submission).

Submission:

Greenwood Genetic Center Diagnostic Laboratories, Greenwood Genetic Center
Classification: Uncertain significance. Last evaluated: 2025-10-17. Review status: criteria provided, single submitter. Criteria: ACMG Guidelines, 2015. Collection method: clinical testing. Allele origin: germline. Affected: yes.
Comment: PM2

NM_000126.4(ETFA):c.817-4611T>C

Gene: ETFA (electron transfer flavoprotein subunit alpha; minus strand). Cytogenetic location: 15q24.2.
Variant type: single nucleotide variant.
Coding change: c.817-4611T>C on transcript NM_000126.4 (MANE Select); 4611 bases into the intron before coding-DNA position 817, T replaced by C.
Molecular consequence: intron variant.
Genome position (GRCh38, 1-based): chr15:76,236,009, A>G on the plus strand (T>C on the coding strand, the complement: ETFA is on the minus strand). VCF-style: chr15-76236009-A-G. GRCh37 (hg19) VCF-style: chr15-76528350-A-G.
Other names: c.670-4611T>C (NM_001127716.2).
Identifiers: ClinVar variation 4845578 (VCV004845578.1).